The following is an entry in ClinVar:

NM_000138.5(FBN1):c.7637G>A (p.Gly2546Glu)

Gene: FBN1 (fibrillin 1; minus strand). Cytogenetic location: 15q21.1.
Variant type: single nucleotide variant.
Coding change: c.7637G>A on transcript NM_000138.5 (MANE Select); coding-DNA position 7637, G replaced by A.
Protein change: p.Gly2546Glu; replaces glycine 2546 with glutamic acid.
Molecular consequence: missense variant.
Genome position (GRCh38, 1-based): chr15:48,421,620, C>T on the plus strand (G>A on the coding strand, the complement: FBN1 is on the minus strand). VCF-style: chr15-48421620-C-T. GRCh37 (hg19) VCF-style: chr15-48713817-C-T.
Other names: c.7637G>A, p.Gly2546Glu (NM_001406716.1); short protein forms G2546E.
Identifiers: ClinVar variation 1759917 (VCV001759917.4), dbSNP rs2141221873, ClinGen allele CA392325179.
Genomic context (GRCh38, chr15:48,421,620, plus strand): 5'-TCACAGCTGGAGCCGGTCTGATCAAGTGAGAATCCCCGCTGGCATTCACAGGTGAAGCTT[C>T]CAGGAGTGTTCTGGCAAATGCCCTTAGACCCGCACAGATTGATGTCAGAGGTGCATTCAT-3'
Protein context (NP_000129.3, residues 2536-2556): GSKGICQNTP[Gly2546Glu]SFTCECQRGF

ClinVar aggregate classification (germline): Uncertain significance. Review status: criteria provided, single submitter (1 of 4 stars). 2 submissions from 2 submitters: Uncertain significance (1). 1 of the submissions does not count toward it. Last evaluated 2026-04-03.

Conditions:
Familial thoracic aortic aneurysm and aortic dissection (TAAD). Also called: Thoracic aortic aneurysms and dissections. Identifiers: Orphanet 91387, MedGen C4707243, MONDO:0019625.
Marfan syndrome (MFS). Also called: Marfan's syndrome; Marfan syndrome, classic; MARFAN SYNDROME, TYPE I; Marfan syndrome type 1; FBN1-Related Marfan Syndrome. Identifiers: Orphanet 284963, Orphanet 558, MedGen C0024796, MONDO:0007947, OMIM 154700.

Submissions (2):

Ambry Genetics
Classification: Uncertain significance for Familial thoracic aortic aneurysm and aortic dissection. Last evaluated: 2026-04-03. Review status: criteria provided, single submitter. Criteria: Ambry Variant Classification Scheme 2023. Collection method: clinical testing. Allele origin: germline.
Comment: The p.G2546E variant (also known as c.7637G>A), located in coding exon 61 of the FBN1 gene, results from a G to A substitution at nucleotide position 7637. The glycine at codon 2546 is replaced by glutamic acid, an amino acid with similar properties. This variant was reported in individual(s) with features consistent with Marfan syndrome (Yoon E et al. J Med Genet, 2023 Dec;61:57-60; Ambry internal data). This variant alters a critical glycine in a sterically constrained region and is expected to disrupt FBN1 function (Van Kien PK et al. Hum Mutat. 2010;31(1):E1021-42). This amino acid position is highly conserved in available vertebrate species. In addition, this alteration is predicted to be deleterious by in silico analysis. Based on the available evidence, the clinical significance of this variant remains unclear.

Department of Laboratory Medicine and Genetics, Samsung Medical Center
Classification: Uncertain significance for Marfan syndrome. Last evaluated: 2025-01-02. Review status: no assertion criteria provided. Collection method: clinical testing. Allele origin: germline. Not counted in ClinVar's aggregate classification.
Comment: The NM_000138.5:c.7637G>A is considered to be rare in the general population database (gnomAD v2.1.1). This variant is predicted to be deleterious by in-silico analysis (REVEL). This variant is located in functional domains. In summary, the available evidence is currently insufficient to evaluate the pathogenicity of this variant, resulting its classification as a variant of uncertain significance (PM1, PP2, PP3, PM2_P).

Literature cited by the submitters: PubMed 37558401 (cited by Ambry Genetics and Department of Laboratory Medicine and Genetics, Samsung Medical Center).